The following is an entry in ClinVar:

ClinVar aggregate classification (germline): Likely benign (1 of 4 stars; one submission).

gnomAD v4.1: 671 of 1,613,626 alleles (0.042%); highest among the groups gnomAD compares: African/African-American, 0.75%; 2 homozygotes.

Submission:

CeGaT Center for Human Genetics Tuebingen
Classification: Likely benign. Last evaluated: 2026-05-01. Review status: criteria provided, single submitter. Criteria: CeGaT Center For Human Genetics Tuebingen Variant Classification Criteria Version 2. Collection method: clinical testing. Allele origin: germline. Affected: yes. Observed: 1 variant allele.
Comment: ADRA2A: BP4, BP7

NM_000681.4(ADRA2A):c.252C>T (p.Asn84=)

Gene: ADRA2A (adrenoceptor alpha 2A; plus strand). Cytogenetic location: 10q25.2.
Variant type: single nucleotide variant.
Coding change: c.252C>T on transcript NM_000681.4 (MANE Select); coding-DNA position 252, C replaced by T.
Protein change: p.Asn84=; no amino-acid change (asparagine 84 retained).
Molecular consequence: synonymous variant.
Genome position (GRCh38, 1-based): chr10:111,078,248, C>T. VCF-style: chr10-111078248-C-T. GRCh37 (hg19) VCF-style: chr10-112838006-C-T.
Identifiers: ClinVar variation 4872667 (VCV004872667.2).